The following is an entry in ClinVar:

ClinVar aggregate classification (germline): Benign. Review status: criteria provided, single submitter (1 of 4 stars). 2 submissions from 2 submitters: Benign (1). 1 of the submissions does not count toward it. Last evaluated 2019-12-31.

Conditions:
ITPR3-related disorder. Also called: ITPR3-related condition.

Allele frequency attached by ClinVar (database versions not stated): gnomAD exomes 0.00338; ExAC 0.00373; 1000 Genomes Project 30x 0.00656; 1000 Genomes Project 0.00699; gnomAD 0.00808 and 0.00864; ESP Exome Variant Server 0.00815; TOPMed 0.00903.
gnomAD v4.1: 4,363 of 1,595,272 alleles (0.27%); highest among the groups gnomAD compares: African/African-American, 2.3%; 44 homozygotes.

Submissions (2):

Labcorp Genetics (formerly Invitae), Labcorp
Classification: Benign. Last evaluated: 2019-12-31. Review status: criteria provided, single submitter. Criteria: Invitae Variant Classification Sherloc (09022015). Collection method: clinical testing. Allele origin: germline.

PreventionGenetics, part of Exact Sciences
Classification: Benign for ITPR3-related condition. Last evaluated: 2019-06-04. Review status: no assertion criteria provided. Collection method: clinical testing. Allele origin: germline. Not counted in ClinVar's aggregate classification.
Comment: This variant is classified as benign based on ACMG/AMP sequence variant interpretation guidelines (Richards et al. 2015 PMID: 25741868, with internal and published modifications).

NM_002224.4(ITPR3):c.4587C>T (p.Leu1529=)

Gene: ITPR3 (inositol 1,4,5-trisphosphate receptor type 3; plus strand). Cytogenetic location: 6p21.31.
Variant type: single nucleotide variant.
Coding change: c.4587C>T on transcript NM_002224.4 (MANE Select); coding-DNA position 4587, C replaced by T.
Protein change: p.Leu1529=; no amino-acid change (leucine 1529 retained).
Molecular consequence: synonymous variant.
Genome position (GRCh38, 1-based): chr6:33,682,634, C>T. VCF-style: chr6-33682634-C-T. GRCh37 (hg19) VCF-style: chr6-33650411-C-T.
Identifiers: ClinVar variation 783457 (VCV000783457.6), dbSNP rs41271255, ClinGen allele CA3761285.